The following is an entry in ClinVar:

NM_014049.5(ACAD9):c.259del (p.Ile87fs)

Gene: ACAD9 (acyl-CoA dehydrogenase family member 9; plus strand). Cytogenetic location: 3q21.3.
Variant type: Deletion.
Coding change: c.259del on transcript NM_014049.5 (MANE Select); coding-DNA position 259, one base deleted (A; older notation c.259delA).
Protein change: p.Ile87fs; shifts the reading frame from isoleucine 87.
Molecular consequence: frameshift variant. On other transcripts: non-coding transcript variant (1).
Genome position (GRCh38, 1-based): chr3:128,893,569, A deleted; the last of 5 consecutive A bases (chr3:128,893,565-128,893,569); deleting any one gives the same sequence. VCF-style (leftmost placement, unchanged base first): chr3-128893564-GA-G. GRCh37 (hg19) VCF-style: chr3-128612407-GA-G.
Other names: short protein forms I87fs.
Identifiers: ClinVar variation 1414842 (VCV001414842.6), dbSNP rs2107648722, ClinGen allele CA2573136534.

ClinVar aggregate classification (germline): Pathogenic (1 of 4 stars; one submission).

Submission:

Labcorp Genetics (formerly Invitae), Labcorp
Classification: Pathogenic. Last evaluated: 2021-08-12. Review status: criteria provided, single submitter. Criteria: Invitae Variant Classification Sherloc (09022015). Collection method: clinical testing. Allele origin: germline.
Comment: This sequence change creates a premature translational stop signal (p.Ile87Leufs*15) in the ACAD9 gene. It is expected to result in an absent or disrupted protein product. Loss-of-function variants in ACAD9 are known to be pathogenic (PMID: 25721401). This variant is not present in population databases (ExAC no frequency). This variant has not been reported in the literature in individuals affected with ACAD9-related conditions. For these reasons, this variant has been classified as Pathogenic.

Literature cited by the submitters: PubMed 25721401.